The following is an entry in ClinVar:

NM_138694.4(PKHD1):c.2247dup (p.Cys750fs)

Gene: PKHD1 (PKHD1 ciliary IPT domain containing fibrocystin/polyductin; minus strand). Cytogenetic location: 6p12.2.
Variant type: Duplication.
Coding change: c.2247dup on transcript NM_138694.4 (MANE Select); coding-DNA position 2247, one base duplicated (G; older notation c.2247dupG).
Protein change: p.Cys750fs; shifts the reading frame from cysteine 750.
Molecular consequence: frameshift variant.
Genome position (GRCh38, 1-based): chr6:52,050,189, C duplicated on the plus strand (G on the coding strand, the reverse complement: PKHD1 is on the minus strand); the first of 4 consecutive C bases (chr6:52,050,189-52,050,192); duplicating any one gives the same sequence. VCF-style (leftmost placement, unchanged base first): chr6-52050188-A-AC. GRCh37 (hg19) VCF-style: chr6-51914986-A-AC.
Other names: c.2247dup, p.Cys750fs (NM_170724.3); short protein forms C750fs.
Identifiers: ClinVar variation 5011853 (VCV005011853.1).

ClinVar aggregate classification (germline): Pathogenic (1 of 4 stars; one submission).

Conditions:
Polycystic kidney disease 4 (PKD4). Also called: POLYCYSTIC KIDNEY AND HEPATIC DISEASE 1; POLYCYSTIC KIDNEY DISEASE, INFANTILE, TYPE I; POLYCYSTIC KIDNEY DISEASE 4 WITH OR WITHOUT POLYCYSTIC LIVER DISEASE; PKD3; Autosomal Recessive Polycystic Kidney Disease – PKHD1. Identifiers: MedGen C4540575, MONDO:0033004, OMIM 263200.

Submission:

Myriad Genetics, Inc.
Classification: Pathogenic for Polycystic kidney disease 4. Last evaluated: 2023-09-27. Review status: criteria provided, single submitter. Criteria: Myriad Autosomal Dominant, Autosomal Recessive and X-Linked Classification Criteria (2023). Collection method: clinical testing. Allele origin: unknown.
Comment: NM_138694.3(PKHD1):c.2247dupG(C750Vfs*16) is expected to be pathogenic in the context of autosomal recessive polycystic kidney disease, PKHD1-related. This variant is predicted to lead to an abnormal or absent protein product due to the creation of a premature termination codon in PKHD1, a gene where loss-of-function variants are known to be pathogenic. Please note: this variant was assessed in the context of healthy population screening.